The following is an entry in ClinVar:

NM_000052.7(ATP7A):c.2187G>A (p.Trp729Ter)

Gene: ATP7A (ATPase copper transporting alpha; plus strand). Cytogenetic location: Xq21.1.
Variant type: single nucleotide variant.
Coding change: c.2187G>A on transcript NM_000052.7 (MANE Select); coding-DNA position 2187, G replaced by A.
Protein change: p.Trp729Ter; replaces tryptophan 729 with a stop codon.
Molecular consequence: nonsense. On other transcripts: intron variant (1).
Genome position (GRCh38, 1-based): chrX:78,012,893, G>A. VCF-style: chrX-78012893-G-A. GRCh37 (hg19) VCF-style: chrX-77268390-G-A.
Other names: c.2172+1219G>A (NM_001282224.2); c.2187G>A (NM_000052.6); short protein forms W729*.
Identifiers: ClinVar variation 210421 (VCV000210421.9), dbSNP rs797045351, ClinGen allele CA277261.

ClinVar aggregate classification (germline): Pathogenic. Review status: criteria provided, multiple submitters, no conflicts (2 of 4 stars). 3 submissions from 3 submitters: Pathogenic (2). 1 of the submissions does not count toward it. Last evaluated 2013-02-08.

Conditions:
Menkes kinky-hair syndrome (MNK). Also called: Menkes Disease; Copper transport disease; Classic Menkes Disease. Identifiers: Orphanet 565, MedGen C0022716, MONDO:0010651, OMIM 309400.
Cutis laxa, X-linked (OHS). Also called: EDS IX; Occipital horn syndrome. Identifiers: Orphanet 198, MedGen C0268353, MONDO:0010572, OMIM 304150.
X-linked distal spinal muscular atrophy type 3. Also called: SPINAL MUSCULAR ATROPHY, DISTAL, X-LINKED RECESSIVE; NEURONOPATHY, DISTAL HEREDITARY MOTOR, X-LINKED; NEUROPATHY, DISTAL HEREDITARY MOTOR, X-LINKED; ATP7A-Related Distal Motor Neuropathy. Identifiers: Orphanet 139557, MedGen C1845359, MONDO:0010338, OMIM 300489.

Submissions (3):

Genetic Services Laboratory, University of Chicago
Classification: Pathogenic for Menkes disease. Last evaluated: 2013-02-08. Review status: criteria provided, single submitter. Criteria: ACMG Guidelines, 2007. Collection method: clinical testing. Allele origin: germline. Affected: yes.

Juno Genomics, Hangzhou Juno Genomics, Inc
Classification: Pathogenic for Menkes kinky-hair syndrome; Cutis laxa, X-linked; X-linked distal spinal muscular atrophy type 3. Review status: criteria provided, single submitter. Criteria: ACMG Guidelines, 2015. Collection method: clinical testing. Allele origin: germline. Affected: yes.
Comment: Null variant in a gene where loss of function (LOF) is a known mechanism of disease.;Absent from controls (or at extremely low frequency if recessive) in Genome Aggregation Database, Exome Sequencing Project, 1000 Genomes Project, or Exome Aggregation Consortium.;The prevalence of the variant in affected individuals is significantly increased compared to the prevalence in controls.;Patient's phenotype or family history is highly specific for a disease with a single genetic etiology.

Inherited Neuropathy Consortium Ii, University Of Miami
Classification: Uncertain significance for Menkes kinky-hair syndrome. Last evaluated: 2016-01-06. Review status: no assertion criteria provided. Collection method: literature only. Allele origin: germline. Affected: yes. Not counted in ClinVar's aggregate classification.

Literature cited by the submitters: PubMed 21208200 (cited by Inherited Neuropathy Consortium Ii, University Of Miami).